The following continues an entry in ClinVar:

NM_003900.5(SQSTM1):c.1175C>T (p.Pro392Leu)

Gene: SQSTM1. ClinVar aggregate classification (germline): Conflicting classifications of pathogenicity. Pathogenic (5); Likely pathogenic (6); Uncertain significance (4).

Submissions 8 to 18 of 19:

Molecular Genetics, Royal Melbourne Hospital
Classification: Likely pathogenic for Bone Paget disease. Last evaluated: 2025-01-07. Review status: criteria provided, single submitter. Criteria: ACMG Guidelines, 2015. Collection method: clinical testing. Allele origin: germline. Inheritance: Autosomal dominant inheritance.
Comment: This sequence change in SQSTM1 is predicted to replace proline with leucine at codon 392, p.(Pro392Leu). The proline residue is highly conserved (100 vertebrates, Multiz Alignments), and is located in the UBA domain. There is a moderate physicochemical difference between proline and leucine. The highest population minor allele frequency in the population database gnomAD v4.1 is 0.3% (157/60,012 alleles, 1 homozygote) in the Admixed American population, inconsistent with a dominantly inherited disease. The variant is the most commonly reported SQSTM1 variant in familial and sporadic Paget’s disease of the bone (PDB) and segregates with disease in multiple families, with incomplete penetrance (PMID: 11992264, 17229007, 18543015). Knock-in mouse models assessing the murine equivalent of the variant suggests it increases osteoclastogenesis but does not induce PDB alone (PMID: 18765443, 21195346, 21515589). The variant has been reported in multisystem proteinopathies other than PDB (amyotrophic lateral sclerosis/frontotemporal dementia, inclusion body myopathy) but its clinical significance in these conditions is uncertain (PMID: 24899140, 25410659, 28430856, 29599744, 39044379). Digenic inheritance of the variant with a variant in TIA1 has been detected in multiple individuals with inclusion body myopathy (PMID: 29457785, 29599744, 36861178, 39142003). Computational evidence predicts a deleterious effect for the missense substitution (REVEL = 0.818) and predicts no impact on splicing (SpliceAI) for the nucleotide change. Based on the classification scheme RMH Modified ACMG/AMP Guidelines v1.7.1, this variant is classified as LIKELY PATHOGENIC, reduced penetrance. Following criteria are met: BS1, PP1_Strong, PP3_Moderate, PS3_Moderate.

Baylor Genetics
Classification: Uncertain significance for Frontotemporal dementia and/or amyotrophic lateral sclerosis 3. Last evaluated: 2024-01-24. Review status: criteria provided, single submitter. Criteria: ACMG Guidelines, 2015. Collection method: clinical testing. Allele origin: unknown.

Human Genetics Bochum, Ruhr University Bochum
Classification: Likely pathogenic for Amyotrophic lateral sclerosis. Last evaluated: 2022-11-10. Review status: criteria provided, single submitter. Criteria: ACMG Guidelines, 2015. Collection method: clinical testing. Allele origin: germline. Affected: yes.
Comment: ACMG criteria used to clasify this variant: PS4_MOD, PM1, PP3_MOD, PM2_SUP, BS2

CENTOGENE GmbH and LLC - Guiding Precision Medicine
Classification: Pathogenic for Frontotemporal dementia and/or amyotrophic lateral sclerosis 3. Last evaluated: 2021-09-20. Review status: criteria provided, single submitter. Criteria: ACMG Guidelines, 2015. Collection method: clinical testing. Allele origin: germline.

Institute of Human Genetics, University of Leipzig Medical Center
Classification: Pathogenic for Paget disease of bone 3. Last evaluated: 2019-04-29. Review status: criteria provided, single submitter. Criteria: ACMG Guidelines, 2015. Collection method: clinical testing. Allele origin: germline. Affected: yes. Observed: 1 variant allele.

Laboratory for Molecular Medicine, Mass General Brigham Personalized Medicine
Classification: Pathogenic for Spastic paraplegia-Paget disease of bone syndrome. Last evaluated: 2018-10-09. Review status: criteria provided, single submitter. Criteria: LMM Criteria. Collection method: clinical testing. Allele origin: germline. Inheritance: Autosomal dominant inheritance. Observed: 4 variant alleles.
Comment: The p.Pro392Leu variant in SQSTM1 has been reported in at least 100 individuals with Paget disease of the bone (PDB) and was found to segregate with PDB in >40 individuals across 11 families (Laurin 2002, Morissette 2006, Seton 2016). In vi tro and in vivo functional studies support an impact on protein function (Layfie ld 2004, Hiruma 2008, Chamoux 2009, Kurihara 2011; Daroszewska 2018); however, s ome of these studies suggest that the variant is not sufficient to cause disease on its own, and that environmental stimuli may play a role in its phenotypic ex pression (Hiruma 2008, Kurihara 2011). This variant has also been identified in 0.14% (179/126230) of European chromosomes by gnomAD, including 2 homozygous ind ividuals. This appreciable frequency is consi stent with the reduced penetrance of PDB as well as the high prevalence of PDB i n European populations (estimates range from 0.2-10% across different patient po pulations; Morrisette 2006, Valenzuela 2017). It should be noted that this varia nt has also been reported in patients with frontotemporal dementia (FTD; van der Zee 2014, Le Ber 2013), amyotrophic lateral sclerosis (ALS; Teyssou 2013, Kwok 2014, van der Zee 2014, Morgan 2017), and myopathy (Lee 2018, Niu 2018). However , the role of the SQSTM1 gene in these disorders is not well established. In sum mary, the p.Pro392Leu variant meets criteria to be classified as pathogenic for PDB in an autosomal dominant manner with reduced penetrance. Additional data is required to determine if this variant contributes to other disorders.

Genetic Services Laboratory, University of Chicago
Classification: Likely pathogenic. Last evaluated: 2017-09-26. Review status: criteria provided, single submitter. Criteria: ACMG Guidelines, 2015. Collection method: clinical testing. Allele origin: germline. Affected: yes.

Illumina Laboratory Services, Illumina
Classification: Pathogenic for Paget disease of bone 3. Last evaluated: 2017-04-28. Review status: criteria provided, single submitter. Criteria: ICSL Variant Classification Criteria 09 May 2019. Collection method: clinical testing. Allele origin: germline.
Comment: The SQSTM1 c.1175C>T (p.Pro392Leu) missense variant is the most commonly observed SQSTM1 variant in individuals with Paget disease of bone (PDB) to date (Seton et al. 2016). Across a selection of the literature, the p.Pro392Leu variant has been identified in a homozygous state in four PDB patients and in a heterozygous state in 101 individuals with familial PDB and in 211 individuals with sporadic PDB (Laurin et al. 2002; Michou et al. 2003; Hocking et al. 2004; Lucas et al. 2005; Morissette et al. 2006; Chung et al. 2008; Rea et al. 2009; Visconti et al. 2010; Seton et al. 2016). Morissette et al. (2006) calculated the penetrance of this variant to be 50% among all age groups, and approximately 80% for individuals over the age of 60. The p.Pro392Leu variant was absent from 1186 controls but is reported at a frequency of 0.02404 in the Puerto Ricans from Puerto Rico population of the 1000 Genomes Project. This frequency is high but is consistent with the disease prevalence and reduced penetrance seen among younger individuals. Several studies identified a shared ancestral haplotype among most individuals carrying the p.Pro392Leu variant allele, indicating that the variant is likely a founder mutation in populations of Western European descent (Laurin et al. 2002; Lucas et al. 2005; Morissette et al. 2006; Chung et al. 2008; Rea et al. 2009). Functional studies demonstrated that the p.Pro392Leu variant disrupted protein interaction and reduced binding affinity for ubiquitin (Cavey et al. 2005; Rea et al. 2006; Chamoux et al. 2009; Kurihara et al. 2011; Sundaram et al. 2011). Based on the collective evidence, the p.Pro392Leu variant is classified as pathogenic for Paget disease of bone. This variant was observed by ICSL as part of a predisposition screen in an ostensibly healthy population.

Division of Human Genetics, Children's Hospital of Philadelphia
Classification: Likely pathogenic for Frontotemporal dementia and/or amyotrophic lateral sclerosis 3; Paget disease of bone 3. Last evaluated: 2016-06-23. Review status: no assertion criteria provided. Collection method: research. Allele origin: germline. Study: CSER-PediSeq. Not counted in ClinVar's aggregate classification.

OMIM
Classification: Pathogenic for PAGET DISEASE OF BONE 3. Last evaluated: 2014-09-01. Review status: no assertion criteria provided. Collection method: literature only. Allele origin: germline. Not counted in ClinVar's aggregate classification.

OMIM
Classification: Pathogenic for FRONTOTEMPORAL DEMENTIA AND/OR AMYOTROPHIC LATERAL SCLEROSIS 3. Last evaluated: 2014-09-01. Review status: no assertion criteria provided. Collection method: literature only. Allele origin: germline. Not counted in ClinVar's aggregate classification.